The following is an entry in ClinVar:

NM_004279.3(PMPCB):c.1363A>G (p.Thr455Ala)

Gene: PMPCB (peptidase, mitochondrial processing subunit beta; plus strand). Cytogenetic location: 7q22.1.
Variant type: single nucleotide variant.
Coding change: c.1363A>G on transcript NM_004279.3 (MANE Select); coding-DNA position 1363, A replaced by G.
Protein change: p.Thr455Ala; replaces threonine 455 with alanine.
Molecular consequence: missense variant.
Genome position (GRCh38, 1-based): chr7:103,312,089, A>G. VCF-style: chr7-103312089-A-G. GRCh37 (hg19) VCF-style: chr7-102952536-A-G.
Other names: c.1363A>G, p.Thr455Ala (NM_001438231.1); short protein forms T455A.
Identifiers: ClinVar variation 5026877 (VCV005026877.1).

ClinVar aggregate classification (germline): Uncertain significance (1 of 4 stars; one submission).

Conditions:
Inborn genetic diseases. Identifiers: MedGen C0950123, MeSH D030342.

gnomAD v4.1: 1 of 1,613,934 alleles (0.000062%); highest among the groups gnomAD compares: African/African-American, 0.0013%; no homozygotes.

Submission:

Ambry Genetics
Classification: Uncertain significance for Inborn genetic diseases. Last evaluated: 2026-09-01. Review status: criteria provided, single submitter. Criteria: Ambry Variant Classification Scheme 2023. Collection method: clinical testing. Allele origin: germline.
Comment: The c.1363A>G (p.T455A) alteration is located in exon 12 (coding exon 12) of the PMPCB gene. This alteration results from a A to G substitution at nucleotide position 1363, causing the threonine (T) at amino acid position 455 to be replaced by an alanine (A). Based on data from gnomAD, the G allele has an overall frequency of 0.003% (1/31408) total alleles studied. The highest observed frequency was 0.012% (1/8718) of African alleles. Based on insufficient or conflicting evidence, the clinical significance of this alteration remains unclear.